The following is an entry in ClinVar:

ClinVar aggregate classification (germline): Uncertain significance (1 of 4 stars; one submission).

Conditions:
RASopathy. Also called: rasopathies; Noonan spectrum disorder. Identifiers: Orphanet 536391, MedGen C5555857, MONDO:0021060.

Submission:

Labcorp Genetics (formerly Invitae), Labcorp
Classification: Uncertain significance for RASopathy. Last evaluated: 2022-10-27. Review status: criteria provided, single submitter. Criteria: Invitae Variant Classification Sherloc (09022015). Collection method: clinical testing. Allele origin: germline.
Comment: In summary, the available evidence is currently insufficient to determine the role of this variant in disease. Therefore, it has been classified as a Variant of Uncertain Significance. This variant has not been reported in the literature in individuals affected with CBL-related conditions. This variant is not present in population databases (gnomAD no frequency). This sequence change creates a premature translational stop signal (p.Gln490Thrfs*12) in the CBL gene. It is expected to result in an absent or disrupted protein product. However, the current clinical and genetic evidence is not sufficient to establish whether loss-of-function variants in CBL cause disease.

NM_005188.4(CBL):c.1466dup (p.Gln490fs)

Gene: CBL (Cbl proto-oncogene; plus strand). Cytogenetic location: 11q23.3.
Variant type: Duplication.
Coding change: c.1466dup on transcript NM_005188.4 (MANE Select); coding-DNA position 1466, one base duplicated (C; older notation c.1466dupC).
Protein change: p.Gln490fs; shifts the reading frame from glutamine 490.
Molecular consequence: frameshift variant.
Genome position (GRCh38, 1-based): chr11:119,285,003, C duplicated; the last of 4 consecutive C bases (chr11:119,285,000-119,285,003); duplicating any one gives the same sequence. VCF-style (leftmost placement, unchanged base first): chr11-119284999-G-GC. GRCh37 (hg19) VCF-style: chr11-119155709-G-GC.
Other names: short protein forms Q490fs.
Identifiers: ClinVar variation 2810213 (VCV002810213.3), dbSNP rs2496951420, ClinGen allele CA2575032008.